The following is an entry in ClinVar:

NM_000064.4(C3):c.4631T>C (p.Val1544Ala)

Gene: C3 (complement C3; minus strand). Cytogenetic location: 19p13.3.
Variant type: single nucleotide variant.
Coding change: c.4631T>C on transcript NM_000064.4 (MANE Select); coding-DNA position 4631, T replaced by C.
Protein change: p.Val1544Ala; replaces valine 1544 with alanine.
Molecular consequence: missense variant.
Genome position (GRCh38, 1-based): chr19:6,678,455, A>G on the plus strand (T>C on the coding strand, the complement: C3 is on the minus strand). VCF-style: chr19-6678455-A-G. GRCh37 (hg19) VCF-style: chr19-6678466-A-G.
Other names: short protein forms V1544A.
Identifiers: ClinVar variation 1950550 (VCV001950550.5), dbSNP rs2512225206, ClinGen allele CA403611869.

ClinVar aggregate classification (germline): Uncertain significance (1 of 4 stars; one submission).

Allele frequency attached by ClinVar (database versions not stated): gnomAD exomes below 0.00001.
gnomAD v4.1: 1 of 1,613,956 alleles (0.000062%); highest among the groups gnomAD compares: Non-Finnish European, 0.000085%; no homozygotes.

Submission:

Labcorp Genetics (formerly Invitae), Labcorp
Classification: Uncertain significance. Last evaluated: 2022-09-24. Review status: criteria provided, single submitter. Criteria: Invitae Variant Classification Sherloc (09022015). Collection method: clinical testing. Allele origin: germline.
Comment: In summary, the available evidence is currently insufficient to determine the role of this variant in disease. Therefore, it has been classified as a Variant of Uncertain Significance. Algorithms developed to predict the effect of missense changes on protein structure and function (SIFT, PolyPhen-2, Align-GVGD) all suggest that this variant is likely to be tolerated. This variant has not been reported in the literature in individuals affected with C3-related conditions. This variant is not present in population databases (gnomAD no frequency). This sequence change replaces valine, which is neutral and non-polar, with alanine, which is neutral and non-polar, at codon 1544 of the C3 protein (p.Val1544Ala).